The following is an entry in ClinVar:

ClinVar aggregate classification (germline): Uncertain significance. Review status: criteria provided, multiple submitters, no conflicts (2 of 4 stars). 4 submissions from 4 submitters: Uncertain significance (4). Last evaluated 2026-02-11.

Conditions:
Rothmund-Thomson syndrome type 2 (RTS2). Identifiers: Orphanet 221016, MedGen C5203410, MONDO:0016369, OMIM 268400.
Baller-Gerold syndrome (BGS). Also called: CRANIOSYNOSTOSIS WITH RADIAL DEFECTS. Identifiers: Orphanet 1225, MedGen C0265308, MONDO:0009039, OMIM 218600.
RECQL4-related disorder. Also called: RECQL4-related disorders; RECQL4-related condition.

Allele frequency attached by ClinVar (database versions not stated): TOPMed 0.00005; gnomAD 0.00010.
gnomAD v4.1: 37 of 1,612,352 alleles (0.0023%); highest among the groups gnomAD compares: African/African-American, 0.037%; no homozygotes.

Submissions (4):

St. Jude Molecular Pathology, St. Jude Children's Research Hospital
Classification: Uncertain significance for Rothmund-Thomson syndrome type 2. Last evaluated: 2026-02-11. Review status: criteria provided, single submitter. Criteria: St. Jude Assertion Criteria 2020. Collection method: clinical testing. Allele origin: germline.
Comment: The RECQL4 c.3119C>A p.(Pro1040Gln) missense change has a maximum subpopulation frequency of 0.025% in gnomAD v2.1.1. In silico tools are inconclusive about a pathogenic or benign effect of this variant on protein function, and to our knowledge functional studies have not been performed. To our knowledge, this variant has not been reported in individuals with RECQL4-associated conditions. In summary, the evidence currently available is insufficient to determine the clinical significance of this variant. It has therefore been classified as of uncertain significance.

Labcorp Genetics (formerly Invitae), Labcorp
Classification: Uncertain significance for Baller-Gerold syndrome. Last evaluated: 2025-07-14. Review status: criteria provided, single submitter. Criteria: Invitae Variant Classification Sherloc (09022015). Collection method: clinical testing. Allele origin: germline.
Comment: This sequence change replaces proline, which is neutral and non-polar, with glutamine, which is neutral and polar, at codon 1040 of the RECQL4 protein (p.Pro1040Gln). This variant is present in population databases (rs370867731, gnomAD 0.03%). This variant has not been reported in the literature in individuals affected with RECQL4-related conditions. ClinVar contains an entry for this variant (Variation ID: 648398). Invitae Evidence Modeling of protein sequence and biophysical properties (such as structural, functional, and spatial information, amino acid conservation, physicochemical variation, residue mobility, and thermodynamic stability) has been performed for this missense variant. However, the output from this modeling did not meet the statistical confidence thresholds required to predict the impact of this variant on RECQL4 protein function. In summary, the available evidence is currently insufficient to determine the role of this variant in disease. Therefore, it has been classified as a Variant of Uncertain Significance.

PreventionGenetics, part of Exact Sciences
Classification: Uncertain significance for RECQL4-related condition. Last evaluated: 2025-06-26. Review status: criteria provided, single submitter. Criteria: ACMG Guidelines, 2015. Collection method: clinical testing. Allele origin: germline.
Comment: The RECQL4 c.3119C>A variant is predicted to result in the amino acid substitution p.Pro1040Gln. To our knowledge, this variant has not been reported in the literature. This variant is reported in 0.025% of alleles in individuals of African descent in gnomAD, and is classified as uncertain in ClinVar. At this time, the clinical significance of this variant is uncertain due to the absence of conclusive functional and genetic evidence.

GeneDx
Classification: Uncertain significance. Last evaluated: 2023-03-02. Review status: criteria provided, single submitter. Criteria: GeneDx Variant Classification Process June 2021. Collection method: clinical testing. Allele origin: germline. Affected: yes.
Comment: In silico analysis supports that this missense variant has a deleterious effect on protein structure/function; Has not been previously published as pathogenic or benign to our knowledge

NM_004260.4(RECQL4):c.3119C>A (p.Pro1040Gln)

Gene: RECQL4 (RecQ like helicase 4; minus strand). Cytogenetic location: 8q24.3.
Variant type: single nucleotide variant.
Coding change: c.3119C>A on transcript NM_004260.4 (MANE Select); coding-DNA position 3119, C replaced by A.
Protein change: p.Pro1040Gln; replaces proline 1040 with glutamine.
Molecular consequence: missense variant.
Genome position (GRCh38, 1-based): chr8:144,512,261, G>T on the plus strand (C>A on the coding strand, the complement: RECQL4 is on the minus strand). VCF-style: chr8-144512261-G-T. GRCh37 (hg19) VCF-style: chr8-145737644-G-T.
Other names: short protein forms P1040Q.
Identifiers: ClinVar variation 648398 (VCV000648398.12), dbSNP rs370867731, ClinGen allele CA4947923.